The following is an entry in ClinVar:

ClinVar aggregate classification (germline): Uncertain significance (1 of 4 stars; one submission).

Submission:

CeGaT Center for Human Genetics Tuebingen
Classification: Uncertain significance. Last evaluated: 2024-06-01. Review status: criteria provided, single submitter. Criteria: CeGaT Center For Human Genetics Tuebingen Variant Classification Criteria Version 2. Collection method: clinical testing. Allele origin: germline. Affected: yes. Observed: 1 variant allele.
Comment: TTN: PM2, BP4

NM_001267550.2(TTN):c.58372T>G (p.Cys19458Gly)

Genes: TTN (titin; minus strand), TTN-AS1 (TTN antisense RNA 1; plus strand). Cytogenetic location: 2q31.2.
Variant type: single nucleotide variant.
Coding change: c.58372T>G on transcript NM_001267550.2 (MANE Select); coding-DNA position 58372, T replaced by G.
Protein change: p.Cys19458Gly; replaces cysteine 19458 with glycine.
Molecular consequence: missense variant.
Genome position (GRCh38, 1-based): chr2:178,594,021, A>C on the plus strand (T>G on the coding strand, the complement: TTN is on the minus strand). VCF-style: chr2-178594021-A-C. GRCh37 (hg19) VCF-style: chr2-179458748-A-C.
Other names: c.53449T>G, p.Cys17817Gly (NM_001256850.1); c.31177T>G, p.Cys10393Gly (NM_003319.4); c.50668T>G, p.Cys16890Gly (NM_133378.4); c.31552T>G, p.Cys10518Gly (NM_133432.3); c.31753T>G, p.Cys10585Gly (NM_133437.4); short protein forms C10393G, C10518G, C10585G, C16890G, C17817G, C19458G.
Identifiers: ClinVar variation 3251126 (VCV003251126.18), dbSNP rs867494706.